The following is an entry in ClinVar:

ClinVar aggregate classification (germline): Uncertain significance. Review status: criteria provided, multiple submitters, no conflicts (2 of 4 stars). 4 submissions from 4 submitters: Uncertain significance (4). Last evaluated 2025-08-08.

Allele frequency attached by ClinVar (database versions not stated): ExAC 0.00002; gnomAD exomes 0.00003; gnomAD 0.00005; TOPMed 0.00005; ESP Exome Variant Server 0.00008.
gnomAD v4.1: 59 of 1,614,090 alleles (0.0037%); highest among the groups gnomAD compares: Non-Finnish European, 0.0045%; no homozygotes.

Submissions (4):

Labcorp Genetics (formerly Invitae), Labcorp
Classification: Uncertain significance. Last evaluated: 2025-08-08. Review status: criteria provided, single submitter. Criteria: Invitae Variant Classification Sherloc (09022015). Collection method: clinical testing. Allele origin: germline.
Comment: This sequence change replaces valine, which is neutral and non-polar, with alanine, which is neutral and non-polar, at codon 268 of the KCNJ13 protein (p.Val268Ala). This variant is present in population databases (rs368221882, gnomAD 0.008%). This variant has not been reported in the literature in individuals affected with KCNJ13-related conditions. ClinVar contains an entry for this variant (Variation ID: 1023971). Invitae Evidence Modeling of protein sequence and biophysical properties (such as structural, functional, and spatial information, amino acid conservation, physicochemical variation, residue mobility, and thermodynamic stability) indicates that this missense variant is not expected to disrupt KCNJ13 protein function with a negative predictive value of 80%. In summary, the available evidence is currently insufficient to determine the role of this variant in disease. Therefore, it has been classified as a Variant of Uncertain Significance.

CeGaT Center for Human Genetics Tuebingen
Classification: Uncertain significance. Last evaluated: 2025-07-01. Review status: criteria provided, single submitter. Criteria: CeGaT Center For Human Genetics Tuebingen Variant Classification Criteria Version 2. Collection method: clinical testing. Allele origin: germline. Affected: yes. Observed: 1 variant allele.
Comment: KCNJ13: PM2, PP3

Ambry Genetics
Classification: Uncertain significance. Last evaluated: 2025-04-12. Review status: criteria provided, single submitter. Criteria: Ambry Variant Classification Scheme 2023. Collection method: clinical testing. Allele origin: germline.

Blueprint Genetics
Classification: Uncertain significance. Last evaluated: 2024-07-26. Review status: criteria provided, single submitter. Criteria: ACMG Guidelines, 2015. Collection method: clinical testing. Allele origin: germline.

NM_002242.4(KCNJ13):c.803T>C (p.Val268Ala)

Genes: KCNJ13 (potassium inwardly rectifying channel subfamily J member 13; minus strand), GIGYF2 (GRB10 interacting GYF protein 2; plus strand). Cytogenetic location: 2q37.1.
Variant type: single nucleotide variant.
Coding change: c.803T>C on transcript NM_002242.4 (MANE Select); coding-DNA position 803, T replaced by C.
Protein change: p.Val268Ala; replaces valine 268 with alanine.
Molecular consequence: missense variant. On other transcripts: 3 prime UTR variant (1), intron variant (4).
Genome position (GRCh38, 1-based): chr2:232,768,471, A>G on the plus strand (T>C on the coding strand, the complement: KCNJ13 is on the minus strand). VCF-style: chr2-232768471-A-G. GRCh37 (hg19) VCF-style: chr2-233633181-A-G.
Other names: c.*282T>C (NM_001172416.1); c.563T>C, p.Val188Ala (NM_001172417.1); c.532+7035A>G (NM_001103146.3, NM_015575.4, NM_001103147.2 and 1 more transcripts); short protein forms V188A, V268A.
Identifiers: ClinVar variation 1023971 (VCV001023971.17), dbSNP rs368221882, ClinGen allele CA2169985.